The following is an entry in ClinVar:

ClinVar aggregate classification (germline): Uncertain significance (1 of 4 stars; one submission).

Conditions:
Fanconi anemia (FA). Also called: Fanconi's anemia. Identifiers: Orphanet 84, MedGen C0015625, MeSH D005199, MONDO:0019391.

Allele frequency attached by ClinVar (database versions not stated): gnomAD exomes below 0.00001; ExAC 0.00001.
gnomAD v4.1: 3 of 1,614,076 alleles (0.00019%); highest among the groups gnomAD compares: Non-Finnish European, 0.00025%; no homozygotes.

Submission:

Labcorp Genetics (formerly Invitae), Labcorp
Classification: Uncertain significance for Fanconi anemia. Last evaluated: 2025-09-17. Review status: criteria provided, single submitter. Criteria: Invitae Variant Classification Sherloc (09022015). Collection method: clinical testing. Allele origin: germline.
Comment: This sequence change replaces arginine, which is basic and polar, with serine, which is neutral and polar, at codon 1893 of the FANCM protein (p.Arg1893Ser). This variant is present in population databases (rs750143582, gnomAD 0.0009%). This variant has not been reported in the literature in individuals affected with FANCM-related conditions. ClinVar contains an entry for this variant (Variation ID: 1434516). An algorithm developed to predict the effect of missense changes on protein structure and function (PolyPhen-2) suggests that this variant is likely to be disruptive. In summary, the available evidence is currently insufficient to determine the role of this variant in disease. Therefore, it has been classified as a Variant of Uncertain Significance.

NM_020937.4(FANCM):c.5679A>T (p.Arg1893Ser)

Gene: FANCM (FA complementation group M; plus strand). Cytogenetic location: 14q21.2.
Variant type: single nucleotide variant.
Coding change: c.5679A>T on transcript NM_020937.4 (MANE Select); coding-DNA position 5679, A replaced by T.
Protein change: p.Arg1893Ser; replaces arginine 1893 with serine.
Molecular consequence: missense variant.
Genome position (GRCh38, 1-based): chr14:45,196,510, A>T. VCF-style: chr14-45196510-A-T. GRCh37 (hg19) VCF-style: chr14-45665713-A-T.
Other names: c.5601A>T, p.Arg1867Ser (NM_001308133.2); short protein forms R1867S, R1893S.
Identifiers: ClinVar variation 1434516 (VCV001434516.6), dbSNP rs750143582, ClinGen allele CA7170035.